The following is an entry in ClinVar:

NM_001008216.2(GALE):c.784T>G (p.Cys262Gly)

Gene: GALE (UDP-galactose-4-epimerase; minus strand). Cytogenetic location: 1p36.11.
Variant type: single nucleotide variant.
Coding change: c.784T>G on transcript NM_001008216.2 (MANE Select); coding-DNA position 784, T replaced by G.
Protein change: p.Cys262Gly; replaces cysteine 262 with glycine.
Molecular consequence: missense variant.
Genome position (GRCh38, 1-based): chr1:23,796,708, A>C on the plus strand (T>G on the coding strand, the complement: GALE is on the minus strand). VCF-style: chr1-23796708-A-C. GRCh37 (hg19) VCF-style: chr1-24123198-A-C.
Other names: c.784T>G, p.Cys262Gly (NM_000403.4, NM_001127621.2); short protein forms C262G.
Identifiers: ClinVar variation 4984869 (VCV004984869.1).
Genomic context (GRCh38, chr1:23,796,708, plus strand): 5'-TGCCTGGATCTGGTCCCTCCCCTCCCTCACTTCTCCCTTCTCTTCCTACCCGGCAGCCAC[A>C]CTGTTCTTTCAGCTTCCTTAAGGCTGCAATGTGGCCCTTGGCCAGATCCACGACATGGAT-3'
Protein context (NP_001008217.1, residues 252-272): IAALRKLKEQ[Cys262Gly]GCRIYNLGTG

ClinVar aggregate classification (germline): Uncertain significance (1 of 4 stars; one submission).

Conditions:
GALE-related disorder. Also called: GALE-related condition.

Submission:

PreventionGenetics, part of Exact Sciences
Classification: Uncertain significance for GALE-related condition. Last evaluated: 2025-09-19. Review status: criteria provided, single submitter. Criteria: ACMG Guidelines, 2015. Collection method: clinical testing. Allele origin: germline.
Comment: The GALE c.784T>G variant is predicted to result in the amino acid substitution p.Cys262Gly. To our knowledge, this variant has not been reported in the literature or in a large population database (gnomAD), indicating this variant is rare. At this time, the clinical significance of this variant is uncertain due to the absence of conclusive functional and genetic evidence.